The following is an entry in ClinVar:

NM_004370.6(COL12A1):c.5940AGT[1] (p.Val1982del)

Gene: COL12A1 (collagen type XII alpha 1 chain; minus strand). Cytogenetic location: 6q13.
Variant type: Microsatellite.
Coding change: c.5940AGT[1] on transcript NM_004370.6 (MANE Select); one copy of the 3-base unit AGT starting at c.5940; the reference has two copies in a row; one copy, 3 bases deleted.
Protein change: p.Val1982del; deletes valine 1982.
Molecular consequence: inframe deletion.
Genome position (GRCh38, 1-based): chr6:75,130,974-75,130,976, ACT deleted on the plus strand (AGT on the coding strand, the reverse complement: COL12A1 is on the minus strand); deleting any 3 consecutive bases within chr6:75,130,974-75,130,980 gives the same sequence; the position shown is the placement nearest the transcript's 3' end. VCF-style (leftmost placement, unchanged base first): chr6-75130973-CACT-C. GRCh37 (hg19) VCF-style: chr6-75840689-CACT-C.
Other names: c.2448AGT[1], p.Val818del (NM_080645.3); short protein forms V1982del, V818del.
Identifiers: ClinVar variation 855928 (VCV000855928.10), dbSNP rs1766274789, ClinGen allele CA916082879.
Genomic context (GRCh38, chr6:75,130,973, plus strand): 5'-CACGGAATAGAGTGTGTCCGGAATCAGCCGCTCCAGATGCACCATGCGCGTGTTTCCTGG[CACT>C]ACTATCTGCAGGAGAGGAAATGCCAAATTCTGCCTGACAACAACTCAAATGCTTACCAAG-3'

ClinVar aggregate classification (germline): Uncertain significance (1 of 4 stars; one submission).

Conditions:
Ullrich congenital muscular dystrophy 2 (UCMD2). Identifiers: Orphanet 75840, MedGen C4225314, MONDO:0014654, OMIM 616470.
Bethlem myopathy 2 (BTHLM2). Identifiers: Orphanet 536516, Orphanet 610, MedGen C4225313, MONDO:0034022, OMIM 616471.

Submission:

Labcorp Genetics (formerly Invitae), Labcorp
Classification: Uncertain significance for Bethlem myopathy 2; Ullrich congenital muscular dystrophy 2. Last evaluated: 2019-03-07. Review status: criteria provided, single submitter. Criteria: Invitae Variant Classification Sherloc (09022015). Collection method: clinical testing. Allele origin: germline.
Comment: Experimental studies and prediction algorithms are not available for this variant, and the functional significance of the affected amino acid(s) is currently unknown. In summary, the available evidence is currently insufficient to determine the role of this variant in disease. Therefore, it has been classified as a Variant of Uncertain Significance. This variant has not been reported in the literature in individuals with COL12A1-related conditions. This variant is not present in population databases (ExAC no frequency). This variant, c.5943_5945del, results in the deletion of 1 amino acid(s) of the COL12A1 protein (p.Val1982del), but otherwise preserves the integrity of the reading frame.